The following is an entry in ClinVar:

NM_006231.4(POLE):c.-8_1del (p.Met1del)

Genes: POLE (DNA polymerase epsilon, catalytic subunit; minus strand), LOC130009266 (ATAC-STARR-seq lymphoblastoid silent region 5123; plus strand). Cytogenetic location: 12q24.33.
Variant type: Deletion.
Coding change: c.-8_1del on transcript NM_006231.4 (MANE Select); 8 bases upstream of the start codon through coding-DNA position 1, 9 bases deleted (ACGGCTCCA; older notation c.-8_1delACGGCTCCA).
Protein change: p.Met1del; deletes methionine 1.
Molecular consequence: inframe deletion, initiator codon variant.
Genome position (GRCh38, 1-based): chr12:132,687,315-132,687,323, TGGAGCCGT deleted on the plus strand (ACGGCTCCA on the coding strand, the reverse complement: POLE is on the minus strand); deleting any 9 consecutive bases within chr12:132,687,315-132,687,326 gives the same sequence; the c. name uses the placement nearest the transcript's 3' end. VCF-style (leftmost placement, unchanged base first): chr12-132687314-ATGGAGCCGT-A. GRCh37 (hg19) VCF-style: chr12-133263900-ATGGAGCCGT-A.
Other names: short protein forms M1del.
Identifiers: ClinVar variation 1008647 (VCV001008647.7), dbSNP rs2043299858, ClinGen allele CA2073008965.

ClinVar aggregate classification (germline): Uncertain significance (1 of 4 stars; one submission).

Submission:

Labcorp Genetics (formerly Invitae), Labcorp
Classification: Uncertain significance. Last evaluated: 2024-04-24. Review status: criteria provided, single submitter. Criteria: Invitae Variant Classification Sherloc (09022015). Collection method: clinical testing. Allele origin: germline.
Comment: This variant occurs in a non-coding region of the POLE gene. It does not change the encoded amino acid sequence of the POLE protein. This variant is not present in population databases (gnomAD no frequency). This variant has not been reported in the literature in individuals affected with POLE-related conditions. This variant is also known as c.-9_-1del. ClinVar contains an entry for this variant (Variation ID: 1008647). Experimental studies and prediction algorithms are not available or were not evaluated, and the functional significance of this variant is currently unknown. In summary, the available evidence is currently insufficient to determine the role of this variant in disease. Therefore, it has been classified as a Variant of Uncertain Significance.